The following is an entry in ClinVar:

NM_000196.4(HSD11B2):c.587C>G (p.Ala196Gly)

Gene: HSD11B2 (hydroxysteroid 11-beta dehydrogenase 2; plus strand). Cytogenetic location: 16q22.1.
Variant type: single nucleotide variant.
Coding change: c.587C>G on transcript NM_000196.4 (MANE Select); coding-DNA position 587, C replaced by G.
Protein change: p.Ala196Gly; replaces alanine 196 with glycine.
Molecular consequence: missense variant.
Genome position (GRCh38, 1-based): chr16:67,436,065, C>G. VCF-style: chr16-67436065-C-G. GRCh37 (hg19) VCF-style: chr16-67469968-C-G.
Other names: short protein forms A196G.
Identifiers: ClinVar variation 2040857 (VCV002040857.4), dbSNP rs765709883, ClinGen allele CA396279353.

ClinVar aggregate classification (germline): Uncertain significance (1 of 4 stars; one submission).

Submission:

Labcorp Genetics (formerly Invitae), Labcorp
Classification: Uncertain significance. Last evaluated: 2022-07-19. Review status: criteria provided, single submitter. Criteria: Invitae Variant Classification Sherloc (09022015). Collection method: clinical testing. Allele origin: germline.
Comment: This variant has not been reported in the literature in individuals affected with HSD11B2-related conditions. In summary, the available evidence is currently insufficient to determine the role of this variant in disease. Therefore, it has been classified as a Variant of Uncertain Significance. Algorithms developed to predict the effect of missense changes on protein structure and function are either unavailable or do not agree on the potential impact of this missense change (SIFT: "Tolerated"; PolyPhen-2: "Possibly Damaging"; Align-GVGD: "Class C0"). This variant is not present in population databases (gnomAD no frequency). This sequence change replaces alanine, which is neutral and non-polar, with glycine, which is neutral and non-polar, at codon 196 of the HSD11B2 protein (p.Ala196Gly).